The following is an entry in ClinVar:

ClinVar aggregate classification (germline): Conflicting classifications of pathogenicity. Review status: criteria provided, conflicting classifications (1 of 4 stars). 7 submissions from 7 submitters: Uncertain significance (5); Likely benign (1). 1 of the submissions does not count toward it. Last evaluated 2025-12-08.

Conditions:
Hereditary cancer-predisposing syndrome. Also called: Hereditary neoplastic syndrome; Hereditary Cancer Syndrome; Tumor predisposition; Neoplastic Syndromes, Hereditary. Identifiers: Orphanet 140162, MedGen C0027672, MeSH D009386, MONDO:0015356.
Familial adenomatous polyposis 1 (FAP1). Also called: FAMILIAL ADENOMATOUS POLYPOSIS 1, ATTENUATED; POLYPOSIS, ADENOMATOUS INTESTINAL. Identifiers: MedGen C2713442, MONDO:0021056, OMIM 175100. Disease mechanism: loss of function.
Carcinoma of colon (CRC). Also called: Colon carcinoma; Colonic carcinoma. Identifiers: MedGen C0699790, MONDO:0002032.

Allele frequency attached by ClinVar (database versions not stated): gnomAD exomes below 0.00001 and 0.00001; TOPMed below 0.00001; ExAC 0.00001.
gnomAD v4.1: 6 of 1,614,052 alleles (0.00037%); highest among the groups gnomAD compares: East Asian, 0.0067%; no homozygotes.

Submissions (7):

Labcorp Genetics (formerly Invitae), Labcorp
Classification: Uncertain significance for Familial adenomatous polyposis 1. Last evaluated: 2025-12-08. Review status: criteria provided, single submitter. Criteria: Invitae Variant Classification Sherloc (09022015). Collection method: clinical testing. Allele origin: germline.
Comment: This sequence change replaces serine, which is neutral and polar, with phenylalanine, which is neutral and non-polar, at codon 1756 of the APC protein (p.Ser1756Phe). This variant is present in population databases (rs773178712, gnomAD 0.006%). This variant has not been reported in the literature in individuals affected with APC-related conditions. ClinVar contains an entry for this variant (Variation ID: 482341). Invitae Evidence Modeling of protein sequence and biophysical properties (such as structural, functional, and spatial information, amino acid conservation, physicochemical variation, residue mobility, and thermodynamic stability) indicates that this missense variant is not expected to disrupt APC protein function with a negative predictive value of 95%. In summary, the available evidence is currently insufficient to determine the role of this variant in disease. Therefore, it has been classified as a Variant of Uncertain Significance.

Color Diagnostics, LLC DBA Color Health
Classification: Likely benign for Hereditary cancer-predisposing syndrome. Last evaluated: 2025-02-18. Review status: criteria provided, single submitter. Criteria: ACMG Guidelines, 2015. Collection method: clinical testing. Allele origin: germline.

Baylor Genetics
Classification: Uncertain significance for Familial adenomatous polyposis 1. Last evaluated: 2023-01-26. Review status: criteria provided, single submitter. Criteria: ACMG Guidelines, 2015. Collection method: clinical testing. Allele origin: unknown.

Sema4
Classification: Uncertain significance for Hereditary cancer-predisposing syndrome. Last evaluated: 2022-03-16. Review status: criteria provided, single submitter. Criteria: Sema4 Curation Guidelines. Collection method: curation. Allele origin: germline.
Comment: The APC c.5267C>T (p.S1756F) variant has not been reported in individuals with APC-related disease. This variant was observed in 1/18386 chromosomes in the East Asian population, according to the Genome Aggregation Database (PMID 32461654). The variant has been reported in ClinVar (Variation ID 482341). Functional studies have not been performed, and in silico predictions of the variant's effect on protein function are inconclusive. The evidence is insufficient to meet ACMG/AMP criteria for classifying the variant as benign or pathogenic. Based on the current evidence available, this variant is interpreted as a variant of uncertain significance.

Ambry Genetics
Classification: Uncertain significance for Hereditary cancer-predisposing syndrome. Last evaluated: 2021-08-20. Review status: criteria provided, single submitter. Criteria: Ambry Variant Classification Scheme 2023. Collection method: clinical testing. Allele origin: germline.
Comment: The p.S1756F variant (also known as c.5267C>T), located in coding exon 15 of the APC gene, results from a C to T substitution at nucleotide position 5267. The serine at codon 1756 is replaced by phenylalanine, an amino acid with highly dissimilar properties. This amino acid position is not well conserved in available vertebrate species. In addition, in silico predictors for this gene do not accurately predict pathogenicity. Since supporting evidence is limited at this time, the clinical significance of this alteration remains unclear.

GeneDx
Classification: Uncertain significance. Last evaluated: 2019-12-20. Review status: criteria provided, single submitter. Criteria: GeneDx Variant Classification Process June 2021. Collection method: clinical testing. Allele origin: germline. Affected: yes.
Comment: In silico analysis, which includes protein predictors and evolutionary conservation, supports that this variant does not alter protein structure/function; Has not been previously published as pathogenic or benign to our knowledge; This variant is associated with the following publications: (PMID: 23873622)

3DMed Clinical Laboratory Inc
Classification: Uncertain significance for Carcinoma of colon. Last evaluated: 2018-05-18. Review status: no assertion criteria provided. Criteria: ACMG Guidelines, 2015. Collection method: clinical testing. Allele origin: germline. Affected: yes. Not counted in ClinVar's aggregate classification.

Literature cited by the submitters: PubMed 25186627 (cited by Ambry Genetics).

NM_000038.6(APC):c.5267C>T (p.Ser1756Phe)

Gene: APC (APC regulator of Wnt signaling pathway; plus strand). Cytogenetic location: 5q22.2.
Variant type: single nucleotide variant.
Coding change: c.5267C>T on transcript NM_000038.6 (MANE Select); coding-DNA position 5267, C replaced by T.
Protein change: p.Ser1756Phe; replaces serine 1756 with phenylalanine.
Molecular consequence: missense variant.
Genome position (GRCh38, 1-based): chr5:112,840,861, C>T. VCF-style: chr5-112840861-C-T. GRCh37 (hg19) VCF-style: chr5-112176558-C-T.
Other names: c.5267C>T, p.Ser1756Phe (NM_001127510.3, NM_001354895.2); c.5213C>T, p.Ser1738Phe (NM_001127511.3); c.5321C>T, p.Ser1774Phe (NM_001354896.2); c.5297C>T, p.Ser1766Phe (NM_001354897.2); c.5192C>T, p.Ser1731Phe (NM_001354898.2); c.5183C>T, p.Ser1728Phe (NM_001354899.2); c.5144C>T, p.Ser1715Phe (NM_001354900.2); c.5090C>T, p.Ser1697Phe (NM_001354901.2); and 5 more; short protein forms S1738F, S1756F, S1596F, S1473F, S1655F, S1728F, S1630F, S1715F.
Identifiers: ClinVar variation 482341 (VCV000482341.57), dbSNP rs773178712, ClinGen allele CA041147.